The following is an entry in ClinVar:

NM_015100.4(POGZ):c.2270G>A (p.Ser757Asn)

Gene: POGZ (pogo transposable element derived with ZNF domain; minus strand). Cytogenetic location: 1q21.3.
Variant type: single nucleotide variant.
Coding change: c.2270G>A on transcript NM_015100.4 (MANE Select); coding-DNA position 2270, G replaced by A.
Protein change: p.Ser757Asn; replaces serine 757 with asparagine.
Molecular consequence: missense variant.
Genome position (GRCh38, 1-based): chr1:151,408,205, C>T on the plus strand (G>A on the coding strand, the complement: POGZ is on the minus strand). VCF-style: chr1-151408205-C-T. GRCh37 (hg19) VCF-style: chr1-151380681-C-T.
Other names: c.2243G>A, p.Ser748Asn (NM_001194937.2); c.2084G>A, p.Ser695Asn (NM_001194938.2); c.2291G>A, p.Ser764Asn (NM_001410860.1); c.1985G>A, p.Ser662Asn (NM_145796.4); c.2111G>A, p.Ser704Asn (NM_207171.2); short protein forms S662N, S695N, S704N, S748N, S757N, S764N.
Identifiers: ClinVar variation 4537651 (VCV004537651.1).

ClinVar aggregate classification (germline): Uncertain significance (1 of 4 stars; one submission).

Submission:

GeneDx
Classification: Uncertain significance. Last evaluated: 2025-06-10. Review status: criteria provided, single submitter. Criteria: GeneDx Variant Classification Process June 2021. Collection method: clinical testing. Allele origin: germline. Affected: yes.
Comment: Not observed at significant frequency in large population cohorts (gnomAD); In silico analysis suggests that this missense variant does not alter protein structure/function; Has not been previously published as pathogenic or benign to our knowledge